The following is an entry in ClinVar:

NM_002485.5(NBN):c.2058G>T (p.Lys686Asn)

Gene: NBN (nibrin; minus strand). Cytogenetic location: 8q21.3.
Variant type: single nucleotide variant.
Coding change: c.2058G>T on transcript NM_002485.5 (MANE Select); coding-DNA position 2058, G replaced by T.
Protein change: p.Lys686Asn; replaces lysine 686 with asparagine.
Molecular consequence: missense variant.
Genome position (GRCh38, 1-based): chr8:89,946,152, C>A on the plus strand (G>T on the coding strand, the complement: NBN is on the minus strand). VCF-style: chr8-89946152-C-A. GRCh37 (hg19) VCF-style: chr8-90958380-C-A.
Other names: c.1812G>T, p.Lys604Asn (NM_001024688.3); short protein forms K686N, K604N.
Identifiers: ClinVar variation 1365162 (VCV001365162.8), dbSNP rs2130763599, ClinGen allele CA371676341.
Genomic context (GRCh38, chr8:89,946,152, plus strand): 5'-AAAAACATTTCAAACACTGACCTCTTGTGATACAGTTGAAATACCTACCTTTTTGAATTT[C>A]TTGAAATTTTTTAGTTGACCATAATCATCATTTATGCCAGATGGATTTCTGGAAGTAGAG-3'
Protein context (NP_002476.2, residues 676-696): NDDYGQLKNF[Lys686Asn]KFKKVTYPGA

ClinVar aggregate classification (germline): Uncertain significance (1 of 4 stars; one submission).

Conditions:
Microcephaly, normal intelligence and immunodeficiency (NBS). Also called: Nijmegen breakage syndrome; SEEMANOVA SYNDROME II; IMMUNODEFICIENCY, MICROCEPHALY, AND CHROMOSOMAL INSTABILITY; Immunodeficiency, microcephaly with normal intelligence; Ataxia telangiectasia variant V1; Microcephaly with normal intelligence immunodeficiency and lymphoreticular malignancies. Identifiers: Orphanet 647, MedGen C0398791, MONDO:0009623, OMIM 251260.

Submission:

Labcorp Genetics (formerly Invitae), Labcorp
Classification: Uncertain significance for Microcephaly, normal intelligence and immunodeficiency. Last evaluated: 2024-02-24. Review status: criteria provided, single submitter. Criteria: Invitae Variant Classification Sherloc (09022015). Collection method: clinical testing. Allele origin: germline.
Comment: This sequence change replaces lysine, which is basic and polar, with asparagine, which is neutral and polar, at codon 686 of the NBN protein (p.Lys686Asn). This variant is not present in population databases (gnomAD no frequency). This variant has not been reported in the literature in individuals affected with NBN-related conditions. ClinVar contains an entry for this variant (Variation ID: 1365162). An algorithm developed to predict the effect of missense changes on protein structure and function (PolyPhen-2) suggests that this variant is likely to be disruptive. In summary, the available evidence is currently insufficient to determine the role of this variant in disease. Therefore, it has been classified as a Variant of Uncertain Significance.